The following is an entry in ClinVar:

NM_001267550.2(TTN):c.103084A>G (p.Arg34362Gly)

Genes: TTN (titin; minus strand), TTN-AS1 (TTN antisense RNA 1; plus strand). Cytogenetic location: 2q31.2.
Variant type: single nucleotide variant.
Coding change: c.103084A>G on transcript NM_001267550.2 (MANE Select); coding-DNA position 103084, A replaced by G.
Protein change: p.Arg34362Gly; replaces arginine 34362 with glycine.
Molecular consequence: missense variant.
Genome position (GRCh38, 1-based): chr2:178,533,531, T>C on the plus strand (A>G on the coding strand, the complement: TTN is on the minus strand). VCF-style: chr2-178533531-T-C. GRCh37 (hg19) VCF-style: chr2-179398258-T-C.
Other names: c.98161A>G, p.Arg32721Gly (NM_001256850.1); c.75889A>G, p.Arg25297Gly (NM_003319.4); c.95380A>G, p.Arg31794Gly (NM_133378.4); c.76264A>G, p.Arg25422Gly (NM_133432.3); c.76465A>G, p.Arg25489Gly (NM_133437.4); short protein forms R25422G, R32721G, R25489G, R34362G, R25297G, R31794G.
Identifiers: ClinVar variation 1997319 (VCV001997319.4), dbSNP rs1690104530, ClinGen allele CA349415247.

ClinVar aggregate classification (germline): Uncertain significance (1 of 4 stars; one submission).

Conditions:
Dilated cardiomyopathy 1G (CMD1G). Identifiers: Orphanet 154, MedGen C1858763, MONDO:0011400, OMIM 604145.
Autosomal recessive limb-girdle muscular dystrophy type 2J (LGMDR10). Also called: Limb-girdle muscular dystrophy, type 2J; MUSCULAR DYSTROPHY, LIMB-GIRDLE, AUTOSOMAL RECESSIVE 10. Identifiers: Orphanet 140922, MedGen C1837342, MONDO:0012127, OMIM 608807.

Submission:

Labcorp Genetics (formerly Invitae), Labcorp
Classification: Uncertain significance for Dilated cardiomyopathy 1G; Autosomal recessive limb-girdle muscular dystrophy type 2J. Last evaluated: 2025-10-16. Review status: criteria provided, single submitter. Criteria: Invitae Variant Classification Sherloc (09022015). Collection method: clinical testing. Allele origin: germline.
Comment: This sequence change replaces arginine, which is basic and polar, with glycine, which is neutral and non-polar, at codon 34362 of the TTN protein (p.Arg34362Gly). This variant is not present in population databases (gnomAD no frequency). This variant has not been reported in the literature in individuals affected with TTN-related conditions. ClinVar contains an entry for this variant (Variation ID: 1997319). Experimental studies and prediction algorithms are not available or were not evaluated, and the functional significance of this variant is currently unknown. This variant is located in the M band of TTN (PMID: 25589632). Non-truncating variants in this region may be relevant for neuromuscular disorders, but have not been definitively shown to cause cardiomyopathy (PMID: 23975875). In summary, the available evidence is currently insufficient to determine the role of this variant in disease. Therefore, it has been classified as a Variant of Uncertain Significance.

Literature cited by the submitters: PubMed 25589632; PubMed 23975875.